The following is an entry in ClinVar:

ClinVar aggregate classification (germline): Likely benign. Review status: criteria provided, multiple submitters, no conflicts (2 of 4 stars). 4 submissions from 4 submitters: Likely benign (4). Last evaluated 2024-04-30.

Conditions:
Inborn genetic diseases. Identifiers: MedGen C0950123, MeSH D030342.
Charcot-Marie-Tooth disease axonal type 2O. Also called: Charcot-Marie-Tooth Neuropathy Type 2O; CHARCOT-MARIE-TOOTH NEUROPATHY, AXONAL, TYPE 2O; CHARCOT-MARIE-TOOTH DISEASE, AXONAL, AUTOSOMAL DOMINANT, TYPE 2O; Charcot-Marie-Tooth disease, axonal, type 20. Identifiers: Orphanet 284232, MedGen C3280220, MONDO:0013644, OMIM 614228.

Allele frequency attached by ClinVar (database versions not stated): TOPMed 0.00002; gnomAD exomes 0.00004 and 0.00009; gnomAD 0.00005; ExAC 0.00012.
gnomAD v4.1: 67 of 1,614,030 alleles (0.0042%); highest among the groups gnomAD compares: Middle Eastern, 0.016%; no homozygotes.

Submissions (4):

Labcorp Genetics (formerly Invitae), Labcorp
Classification: Likely benign for Charcot-Marie-Tooth disease axonal type 2O. Last evaluated: 2024-04-30. Review status: criteria provided, single submitter. Criteria: Invitae Variant Classification Sherloc (09022015). Collection method: clinical testing. Allele origin: germline.

Blueprint Genetics
Classification: Likely benign. Last evaluated: 2023-12-05. Review status: criteria provided, single submitter. Criteria: ACMG Guidelines, 2015. Collection method: clinical testing. Allele origin: germline.

CeGaT Center for Human Genetics Tuebingen
Classification: Likely benign. Last evaluated: 2023-05-01. Review status: criteria provided, single submitter. Criteria: CeGaT Center For Human Genetics Tuebingen Variant Classification Criteria Version 2. Collection method: clinical testing. Allele origin: germline. Affected: yes. Observed: 1 variant allele.
Comment: DYNC1H1: PP2, BP4, BS1

Ambry Genetics
Classification: Likely benign for Inborn genetic diseases. Last evaluated: 2019-11-01. Review status: criteria provided, single submitter. Criteria: Ambry Variant Classification Scheme 2023. Collection method: clinical testing. Allele origin: germline.

NM_001376.5(DYNC1H1):c.5326G>A (p.Ala1776Thr)

Gene: DYNC1H1 (dynein cytoplasmic 1 heavy chain 1; plus strand). Cytogenetic location: 14q32.31.
Variant type: single nucleotide variant.
Coding change: c.5326G>A on transcript NM_001376.5 (MANE Select); coding-DNA position 5326, G replaced by A.
Protein change: p.Ala1776Thr; replaces alanine 1776 with threonine.
Molecular consequence: missense variant.
Genome position (GRCh38, 1-based): chr14:102,005,129, G>A. VCF-style: chr14-102005129-G-A. GRCh37 (hg19) VCF-style: chr14-102471466-G-A.
Other names: short protein forms A1776T.
Identifiers: ClinVar variation 539779 (VCV000539779.38), dbSNP rs200722698, ClinGen allele CA7352402.